The following is an entry in ClinVar:

NM_001035.3(RYR2):c.4664T>G (p.Phe1555Cys)

Gene: RYR2 (ryanodine receptor 2; plus strand). Cytogenetic location: 1q43.
Variant type: single nucleotide variant.
Coding change: c.4664T>G on transcript NM_001035.3 (MANE Select); coding-DNA position 4664, T replaced by G.
Protein change: p.Phe1555Cys; replaces phenylalanine 1555 with cysteine.
Molecular consequence: missense variant.
Genome position (GRCh38, 1-based): chr1:237,602,092, T>G. VCF-style: chr1-237602092-T-G. GRCh37 (hg19) VCF-style: chr1-237765392-T-G.
Other names: short protein forms F1555C.
Identifiers: ClinVar variation 1706739 (VCV001706739.2), dbSNP rs1676563735, ClinGen allele CA345401671.

ClinVar aggregate classification (germline): Uncertain significance (1 of 4 stars; one submission).

Submission:

GeneDx
Classification: Uncertain significance. Last evaluated: 2022-03-21. Review status: criteria provided, single submitter. Criteria: GeneDx Variant Classification Process June 2021. Collection method: clinical testing. Allele origin: germline. Affected: yes.
Comment: Has not been previously published as pathogenic or benign to our knowledge; Not observed at significant frequency in large population cohorts (gnomAD); At the protein level, in silico analysis supports that this missense variant has a deleterious effect on protein structure/function; At the mRNA level, in silico analysis suggests this variant may impact gene splicing, however, in the absence of RNA/functional studies, the actual effect of this sequence change is unknown; Not located in one of the three hot-spot regions of the RYR2 gene, where the majority of pathogenic missense variants occur (Medeiros-Domingo et al., 2009); This variant is associated with the following publications: (PMID: 19926015)